The following is an entry in ClinVar:

NM_000834.5(GRIN2B):c.2845T>C (p.Tyr949His)

Gene: GRIN2B (glutamate ionotropic receptor NMDA type subunit 2B; minus strand). Cytogenetic location: 12p13.1.
Variant type: single nucleotide variant.
Coding change: c.2845T>C on transcript NM_000834.5 (MANE Select); coding-DNA position 2845, T replaced by C.
Protein change: p.Tyr949His; replaces tyrosine 949 with histidine.
Molecular consequence: missense variant.
Genome position (GRCh38, 1-based): chr12:13,564,393, A>G on the plus strand (T>C on the coding strand, the complement: GRIN2B is on the minus strand). VCF-style: chr12-13564393-A-G. GRCh37 (hg19) VCF-style: chr12-13717327-A-G.
Other names: short protein forms Y949H.
Identifiers: ClinVar variation 595099 (VCV000595099.11), dbSNP rs201982602, ClinGen allele CA6460975.

ClinVar aggregate classification (germline): Conflicting classifications of pathogenicity. Review status: criteria provided, conflicting classifications (1 of 4 stars). 3 submissions from 3 submitters: Uncertain significance (2); Benign (1). Last evaluated 2024-10-15.

Conditions:
Complex neurodevelopmental disorder. Identifiers: Orphanet 528084, MedGen C5568766, MONDO:0100038.
Intellectual developmental disorder, autosomal dominant 6, with or without seizures. Also called: Intellectual disability, autosomal dominant 6; GRIN2B-related developmental delay, intellectual disability and autism spectrum disorder. Identifiers: Orphanet 589547, MedGen C3151411, MONDO:0013509, OMIM 613970.
Developmental and epileptic encephalopathy, 27 (DEE27). Also called: GRIN2B-Related Neurodevelopmental Disorder; Epileptic encephalopathy, early infantile, 27. Identifiers: Orphanet 3451, MedGen C4015316, MONDO:0014505, OMIM 616139.

Allele frequency attached by ClinVar (database versions not stated): gnomAD 0.00002 and 0.00003; TOPMed 0.00004; gnomAD exomes 0.00001 and below 0.00001; ExAC 0.00001.
gnomAD v4.1: 11 of 1,614,106 alleles (0.00068%); highest among the groups gnomAD compares: Admixed American, 0.005%; no homozygotes.

Submissions (3):

Labcorp Genetics (formerly Invitae), Labcorp
Classification: Benign for Developmental and epileptic encephalopathy, 27; Intellectual developmental disorder, autosomal dominant 6, with or without seizures. Last evaluated: 2024-10-15. Review status: criteria provided, single submitter. Criteria: Invitae Variant Classification Sherloc (09022015). Collection method: clinical testing. Allele origin: germline.

Fulgent Genetics
Classification: Uncertain significance for Intellectual developmental disorder, autosomal dominant 6, with or without seizures; Developmental and epileptic encephalopathy, 27. Last evaluated: 2022-01-27. Review status: criteria provided, single submitter. Criteria: ACMG Guidelines, 2015. Collection method: clinical testing. Allele origin: unknown.

Eurofins Ntd Llc (ga)
Classification: Uncertain significance. Last evaluated: 2017-11-19. Review status: criteria provided, single submitter. Criteria: EGL Classification Definitions 2015. Collection method: clinical testing. Allele origin: germline.